The following is an entry in ClinVar:

NM_000059.4(BRCA2):c.8754+9G>A

Gene: BRCA2 (BRCA2 DNA repair associated; plus strand). Cytogenetic location: 13q13.1.
Variant type: single nucleotide variant.
Coding change: c.8754+9G>A on transcript NM_000059.4 (MANE Select); 9 bases into the intron after coding-DNA position 8754, G replaced by A.
Molecular consequence: intron variant.
Genome position (GRCh38, 1-based): chr13:32,376,800, G>A. VCF-style: chr13-32376800-G-A. GRCh37 (hg19) VCF-style: chr13-32950937-G-A.
Identifiers: ClinVar variation 584863 (VCV000584863.9), dbSNP rs749435255, ClinGen allele CA6941290.
Genomic context (GRCh38, chr13:32,376,800, plus strand): 5'-TGCAGAGCTTTATGAAGCAGTGAAGAATGCAGCAGACCCAGCTTACCTTGAGGTGAGAGA[G>A]TAAGAGGACATATAATGAGGCTTGATGATTATTCAAGGTGAGAAGCTGTTTTAGACTCTC-3'

ClinVar aggregate classification (germline): Conflicting classifications of pathogenicity. Review status: criteria provided, conflicting classifications (1 of 4 stars). 3 submissions from 3 submitters: Uncertain significance (1); Likely benign (1). 1 of the submissions does not count toward it. Last evaluated 2024-10-08.

Conditions:
Hereditary breast ovarian cancer syndrome. Also called: Hereditary breast and ovarian cancer syndrome (HBOC); Breast and ovarian cancer; Hereditary breast and ovarian cancer syndrome; Hereditary breast and ovarian cancer; BRCA1- and BRCA2-Associated Hereditary Breast and Ovarian Cancer; Hereditary breast and/or ovarian cancer syndrome. Identifiers: Orphanet 145, MedGen C0677776, MeSH D061325, MONDO:0003582. Disease mechanism: loss of function.
Breast-ovarian cancer, familial, susceptibility to, 2 (BROVCA2). Also called: BRCA2 Hereditary Breast and Ovarian Cancer. Identifiers: Orphanet 145, MedGen C2675520, MONDO:0012933, OMIM 612555. Disease mechanism: loss of function.

Allele frequency attached by ClinVar (database versions not stated): gnomAD exomes below 0.00001; ExAC 0.00001.
gnomAD v4.1: 2 of 1,613,860 alleles (0.00012%); highest among the groups gnomAD compares: Non-Finnish European, 0.00017%; no homozygotes.

Submissions (3):

Labcorp Genetics (formerly Invitae), Labcorp
Classification: Likely benign for Hereditary breast ovarian cancer syndrome. Last evaluated: 2024-10-08. Review status: criteria provided, single submitter. Criteria: Invitae Variant Classification Sherloc (09022015). Collection method: clinical testing. Allele origin: germline.

Mendelics
Classification: Uncertain significance for Breast-ovarian cancer, familial, susceptibility to, 2. Last evaluated: 2019-05-28. Review status: criteria provided, single submitter. Criteria: Mendelics Assertion Criteria 2017. Collection method: clinical testing. Allele origin: unknown.

Department of Medical and Surgical Sciences, University of Bologna
Classification: Uncertain significance for Breast-ovarian cancer, familial, susceptibility to, 2. Last evaluated: 2023-09-01. Review status: no assertion criteria provided. Collection method: clinical testing. Allele origin: germline. Affected: yes. Not counted in ClinVar's aggregate classification.
Comment: PM2(Supporting) according to ACMG/AMP classification guidelines specified for BRCA1 & BRCA2 (Classification Criteria V1.0.0 2023-09-08) (PMID: 38160042)